The following is an entry in ClinVar:

ClinVar aggregate classification (germline): Uncertain significance (1 of 4 stars; one submission).

Conditions:
CELSR1-related disorder. Also called: CELSR1-related condition.

Allele frequency attached by ClinVar (database versions not stated): TOPMed 0.00001; ExAC 0.00002; gnomAD 0.00002.
gnomAD v4.1: 20 of 1,609,142 alleles (0.0012%); highest among the groups gnomAD compares: Admixed American, 0.013%; no homozygotes.

Submission:

PreventionGenetics, part of Exact Sciences
Classification: Uncertain significance for CELSR1-related condition. Last evaluated: 2022-10-13. Review status: criteria provided, single submitter. Criteria: ACMG Guidelines, 2015. Collection method: clinical testing. Allele origin: germline.
Comment: The CELSR1 c.4085C>T variant is predicted to result in the amino acid substitution p.Thr1362Met. This variant was reported in an individual with myelomeningocele (Lei et al. 2014. PubMed ID: 24632739). This variant is reported in 0.011% of alleles in individuals of Latino descent in gnomAD. At this time, the clinical significance of this variant is uncertain due to the absence of conclusive functional and genetic evidence.

NM_001378328.1(CELSR1):c.4085C>T (p.Thr1362Met)

Genes: CELSR1 (cadherin EGF LAG seven-pass G-type receptor 1; minus strand), LOC126863170 (CDK7 strongly-dependent group 2 enhancer GRCh37_chr22:46858535-46859734; plus strand). Cytogenetic location: 22q13.31.
Variant type: single nucleotide variant.
Coding change: c.4085C>T on transcript NM_001378328.1 (MANE Select); coding-DNA position 4085, C replaced by T.
Protein change: p.Thr1362Met; replaces threonine 1362 with methionine.
Molecular consequence: missense variant.
Genome position (GRCh38, 1-based): chr22:46,463,805, G>A on the plus strand (C>T on the coding strand, the complement: CELSR1 is on the minus strand). VCF-style: chr22-46463805-G-A. GRCh37 (hg19) VCF-style: chr22-46859702-G-A.
Other names: c.4085C>T, p.Thr1362Met (NM_014246.4); short protein forms T1362M.
Identifiers: ClinVar variation 2636389 (VCV002636389.1), dbSNP rs747115318, ClinGen allele CA10294829.